The following is an entry in ClinVar:

ClinVar aggregate classification (germline): Uncertain significance (1 of 4 stars; one submission).

Allele frequency attached by ClinVar (database versions not stated): gnomAD exomes below 0.00001.
gnomAD v4.1: 1 of 1,614,070 alleles (0.000062%); highest among the groups gnomAD compares: Non-Finnish European, 0.000085%; no homozygotes.

Submission:

Labcorp Genetics (formerly Invitae), Labcorp
Classification: Uncertain significance. Last evaluated: 2020-09-27. Review status: criteria provided, single submitter. Criteria: Invitae Variant Classification Sherloc (09022015). Collection method: clinical testing. Allele origin: germline.
Comment: This sequence change replaces serine with proline at codon 620 of the IMPG2 protein (p.Ser620Pro). The serine residue is moderately conserved and there is a moderate physicochemical difference between serine and proline. This variant is not present in population databases (ExAC no frequency). This variant has not been reported in the literature in individuals with IMPG2-related conditions. Algorithms developed to predict the effect of missense changes on protein structure and function are either unavailable or do not agree on the potential impact of this missense change (SIFT: "Tolerated"; PolyPhen-2: "Possibly Damaging"; Align-GVGD: "Class C0"). In summary, the available evidence is currently insufficient to determine the role of this variant in disease. Therefore, it has been classified as a Variant of Uncertain Significance.

NM_016247.4(IMPG2):c.1858T>C (p.Ser620Pro)

Gene: IMPG2 (interphotoreceptor matrix proteoglycan 2; minus strand). Cytogenetic location: 3q12.3.
Variant type: single nucleotide variant.
Coding change: c.1858T>C on transcript NM_016247.4 (MANE Select); coding-DNA position 1858, T replaced by C.
Protein change: p.Ser620Pro; replaces serine 620 with proline.
Molecular consequence: missense variant.
Genome position (GRCh38, 1-based): chr3:101,244,473, A>G on the plus strand (T>C on the coding strand, the complement: IMPG2 is on the minus strand). VCF-style: chr3-101244473-A-G. GRCh37 (hg19) VCF-style: chr3-100963317-A-G.
Other names: short protein forms S620P.
Identifiers: ClinVar variation 1046301 (VCV001046301.8), dbSNP rs1706451556, ClinGen allele CA353859887.